The following is an entry in ClinVar:

NM_000070.3(CAPN3):c.2236G>A (p.Glu746Lys)

Gene: CAPN3 (calpain 3; plus strand). Cytogenetic location: 15q15.1.
Variant type: single nucleotide variant.
Coding change: c.2236G>A on transcript NM_000070.3 (MANE Select); coding-DNA position 2236, G replaced by A.
Protein change: p.Glu746Lys; replaces glutamic acid 746 with lysine.
Molecular consequence: missense variant.
Genome position (GRCh38, 1-based): chr15:42,410,639, G>A. VCF-style: chr15-42410639-G-A. GRCh37 (hg19) VCF-style: chr15-42702837-G-A.
Other names: c.2218G>A, p.Glu740Lys (NM_024344.2); c.1960G>A, p.Glu654Lys (NM_173087.2); c.700G>A, p.Glu234Lys (NM_173088.2); c.241G>A, p.Glu81Lys (NM_173089.2, NM_173090.2); short protein forms E746K, E654K, E234K, E740K, E81K.
Identifiers: ClinVar variation 195554 (VCV000195554.18), dbSNP rs752155690, ClinGen allele CA242017.
Genomic context (GRCh38, chr15:42,410,639, plus strand): 5'-TATTGCCAGAAAATTTTCAAACACTATGACACAGACCAGTCCGGCACCATCAACAGCTAC[G>A]AGATGCGAAATGCAGTCAACGACGCAGGTGCTGAGAAGGAAGGGGTGGCAGGGATGTGGA-3'
Protein context (NP_000061.1, residues 736-756): TDQSGTINSY[Glu746Lys]MRNAVNDAGF

ClinVar aggregate classification (germline): Uncertain significance. Review status: criteria provided, multiple submitters, no conflicts (2 of 4 stars). 6 submissions from 6 submitters: Uncertain significance (5). 1 of the submissions does not count toward it. Last evaluated 2026-06-24.

Conditions:
Inborn genetic diseases. Identifiers: MedGen C0950123, MeSH D030342.
Autosomal recessive limb-girdle muscular dystrophy type 2A (LGMDR1). Also called: LEYDEN-MOEBIUS MUSCULAR DYSTROPHY; MUSCULAR DYSTROPHY, PELVOFEMORAL; Calpainopathy; Muscular dystrophy, limb-girdle, type 2A, Amish; Limb-girdle muscular dystrophy, type 2A. Identifiers: Orphanet 267, MedGen C1869123, MONDO:0009675, OMIM 253600. Disease mechanism: loss of function.

Allele frequency attached by ClinVar (database versions not stated): gnomAD 0.00002 and 0.00003; TOPMed 0.00005; ExAC 0.00003.
gnomAD v4.1: 38 of 1,613,822 alleles (0.0024%); highest among the groups gnomAD compares: Middle Eastern, 0.016%; no homozygotes.

Submissions (6):

Ambry Genetics
Classification: Uncertain significance for Inborn genetic diseases. Last evaluated: 2026-06-24. Review status: criteria provided, single submitter. Criteria: Ambry Variant Classification Scheme 2023. Collection method: clinical testing. Allele origin: germline.

Labcorp Genetics (formerly Invitae), Labcorp
Classification: Uncertain significance for Autosomal recessive limb-girdle muscular dystrophy type 2A. Last evaluated: 2025-10-18. Review status: criteria provided, single submitter. Criteria: Invitae Variant Classification Sherloc (09022015). Collection method: clinical testing. Allele origin: germline.
Comment: This sequence change replaces glutamic acid, which is acidic and polar, with lysine, which is basic and polar, at codon 746 of the CAPN3 protein (p.Glu746Lys). This variant is present in population databases (rs752155690, gnomAD 0.007%). This missense change has been observed in individual(s) with limb girdle muscular dystrophy (internal data). ClinVar contains an entry for this variant (Variation ID: 195554). Invitae Evidence Modeling of protein sequence and biophysical properties (such as structural, functional, and spatial information, amino acid conservation, physicochemical variation, residue mobility, and thermodynamic stability) has been performed for this missense variant. However, the output from this modeling did not meet the statistical confidence thresholds required to predict the impact of this variant on CAPN3 protein function. In summary, the available evidence is currently insufficient to determine the role of this variant in disease. Therefore, it has been classified as a Variant of Uncertain Significance.

GeneDx
Classification: Uncertain significance. Last evaluated: 2019-05-15. Review status: criteria provided, single submitter. Criteria: GeneDx Variant Classification Process June 2021. Collection method: clinical testing. Allele origin: germline. Affected: yes.
Comment: Not observed at a significant frequency in large population cohorts (Lek et al., 2016); In silico analysis, which includes protein predictors and evolutionary conservation, supports a deleterious effect; Has not been previously published as pathogenic or benign to our knowledge

Illumina Laboratory Services, Illumina
Classification: Uncertain significance for Limb-girdle muscular dystrophy, type 2A. Last evaluated: 2018-01-13. Review status: criteria provided, single submitter. Criteria: ICSL Variant Classification Criteria 13 December 2019. Collection method: clinical testing. Allele origin: germline.

Eurofins Ntd Llc (ga)
Classification: Uncertain significance. Last evaluated: 2016-06-07. Review status: criteria provided, single submitter. Criteria: EGL Classification Definitions 2015. Collection method: clinical testing. Allele origin: germline. Observed: 4 variant alleles, 4 heterozygotes.

Natera, Inc.
Classification: Uncertain significance for Limb-girdle muscular dystrophy type 2A. Last evaluated: 2019-10-28. Review status: no assertion criteria provided. Collection method: clinical testing. Allele origin: germline. Not counted in ClinVar's aggregate classification.